The following is an entry in ClinVar:

NM_000059.4(BRCA2):c.3723del (p.Phe1241fs)

Gene: BRCA2 (BRCA2 DNA repair associated; plus strand). Cytogenetic location: 13q13.1.
Variant type: Deletion.
Coding change: c.3723del on transcript NM_000059.4 (MANE Select); coding-DNA position 3723, one base deleted (T; older notation c.3723delT).
Protein change: p.Phe1241fs; shifts the reading frame from phenylalanine 1241.
Molecular consequence: frameshift variant.
Genome position (GRCh38, 1-based): chr13:32,338,078, T deleted; the last of 3 consecutive T bases (chr13:32,338,076-32,338,078); deleting any one gives the same sequence. VCF-style (leftmost placement, unchanged base first): chr13-32338075-GT-G. GRCh37 (hg19) VCF-style: chr13-32912212-GT-G.
Other names: 3951delT; c.3723delT (NM_000059.3).
Identifiers: ClinVar variation 266767 (VCV000266767.18), dbSNP rs886040491, ClinGen allele CA10589217.

ClinVar aggregate classification (germline): Pathogenic. Review status: reviewed by expert panel (3 of 4 stars). 5 submissions from 5 submitters: Pathogenic (1). 4 of the submissions do not count toward it. Last evaluated 2016-10-18.

Conditions:
Hereditary cancer-predisposing syndrome. Also called: Tumor predisposition; Neoplastic Syndromes, Hereditary; Hereditary neoplastic syndrome; Hereditary Cancer Syndrome. Identifiers: Orphanet 140162, MedGen C0027672, MeSH D009386, MONDO:0015356.
Hereditary breast ovarian cancer syndrome. Also called: Hereditary breast and ovarian cancer; Hereditary breast and ovarian cancer syndrome (HBOC); Hereditary breast and/or ovarian cancer syndrome; Breast and ovarian cancer; Hereditary breast and ovarian cancer syndrome; BRCA1- and BRCA2-Associated Hereditary Breast and Ovarian Cancer. Identifiers: Orphanet 145, MedGen C0677776, MeSH D061325, MONDO:0003582. Disease mechanism: loss of function.
Breast-ovarian cancer, familial, susceptibility to, 2 (BROVCA2). Also called: BRCA2 Hereditary Breast and Ovarian Cancer. Identifiers: Orphanet 145, MedGen C2675520, MONDO:0012933, OMIM 612555. Disease mechanism: loss of function.

Submissions (5):

Evidence-based Network for the Interpretation of Germline Mutant Alleles (ENIGMA)
Classification: Pathogenic for Breast-ovarian cancer, familial, susceptibility to, 2. Last evaluated: 2016-10-18. Review status: reviewed by expert panel. Criteria: ENIGMA BRCA1/2 Classification Criteria (2015). Collection method: curation. Allele origin: germline.
Comment: Variant allele predicted to encode a truncated non-functional protein.

Labcorp Genetics (formerly Invitae), Labcorp
Classification: Pathogenic for Hereditary breast ovarian cancer syndrome. Last evaluated: 2025-11-13. Review status: criteria provided, single submitter. Criteria: Invitae Variant Classification Sherloc (09022015). Collection method: clinical testing. Allele origin: germline. Not counted in ClinVar's aggregate classification.
Comment: This sequence change creates a premature translational stop signal (p.Phe1241Leufs*18) in the BRCA2 gene. It is expected to result in an absent or disrupted protein product. Loss-of-function variants in BRCA2 are known to be pathogenic (PMID: 20104584). This variant is not present in population databases (gnomAD no frequency). This premature translational stop signal has been observed in individual(s) with a personal or family history of breast and/or ovarian cancer (PMID: 26556299, 29446198). ClinVar contains an entry for this variant (Variation ID: 266767). For these reasons, this variant has been classified as Pathogenic.

Ambry Genetics
Classification: Pathogenic for Hereditary cancer-predisposing syndrome. Last evaluated: 2022-09-06. Review status: criteria provided, single submitter. Criteria: Ambry Variant Classification Scheme 2023. Collection method: clinical testing. Allele origin: germline. Not counted in ClinVar's aggregate classification.
Comment: The c.3723delT pathogenic mutation, located in coding exon 10 of the BRCA2 gene, results from a deletion of one nucleotide at nucleotide position 3723, causing a translational frameshift with a predicted alternate stop codon (p.F1241Lfs*18). This alteration was also identified within a South African cohort of breast and/or ovarian cancer patients undergoing BRCA1/2 genetic testing (Van der Merwe NC et al. Front Genet, 2022 Apr;13:834265). This variant is considered to be rare based on population cohorts in the Genome Aggregation Database (gnomAD). In addition to the clinical data presented in the literature, this alteration is expected to result in loss of function by premature protein truncation or nonsense-mediated mRNA decay. As such, this alteration is interpreted as a disease-causing mutation.

Quest Diagnostics Nichols Institute San Juan Capistrano
Classification: Likely pathogenic. Last evaluated: 2017-05-09. Review status: criteria provided, single submitter. Criteria: Quest Diagnostics criteria. Collection method: clinical testing. Allele origin: germline. Not counted in ClinVar's aggregate classification.

Consortium of Investigators of Modifiers of BRCA1/2 (CIMBA), c/o University of Cambridge
Classification: Pathogenic for Breast-ovarian cancer, familial, susceptibility to, 2. Last evaluated: 2015-10-02. Review status: criteria provided, single submitter. Criteria: CIMBA Mutation Classification guidelines May 2016. Collection method: clinical testing. Allele origin: germline. Not counted in ClinVar's aggregate classification.

Literature cited by the submitters: PubMed 20104584 (cited by Labcorp Genetics (formerly Invitae), Labcorp); PubMed 26556299 (cited by Labcorp Genetics (formerly Invitae), Labcorp); PubMed 29446198 (cited by Labcorp Genetics (formerly Invitae), Labcorp); PubMed 31512090 (cited by Ambry Genetics); PubMed 35464868 (cited by Ambry Genetics).